The following is an entry in ClinVar:

ClinVar aggregate classification (germline): Uncertain significance (1 of 4 stars; one submission).

Submission:

Labcorp Genetics (formerly Invitae), Labcorp
Classification: Uncertain significance. Last evaluated: 2024-10-28. Review status: criteria provided, single submitter. Criteria: Invitae Variant Classification Sherloc (09022015). Collection method: clinical testing. Allele origin: germline.
Comment: This sequence change replaces isoleucine, which is neutral and non-polar, with methionine, which is neutral and non-polar, at codon 326 of the WHRN protein (p.Ile326Met). This variant is not present in population databases (gnomAD no frequency). This variant has not been reported in the literature in individuals affected with WHRN-related conditions. ClinVar contains an entry for this variant (Variation ID: 1389176). An algorithm developed to predict the effect of missense changes on protein structure and function (PolyPhen-2) suggests that this variant is likely to be disruptive. In summary, the available evidence is currently insufficient to determine the role of this variant in disease. Therefore, it has been classified as a Variant of Uncertain Significance.

NM_015404.4(WHRN):c.978T>G (p.Ile326Met)

Gene: WHRN (whirlin; minus strand). Cytogenetic location: 9q32.
Variant type: single nucleotide variant.
Coding change: c.978T>G on transcript NM_015404.4 (MANE Select); coding-DNA position 978, T replaced by G.
Protein change: p.Ile326Met; replaces isoleucine 326 with methionine.
Molecular consequence: missense variant. On other transcripts: 5 prime UTR variant (1).
Genome position (GRCh38, 1-based): chr9:114,426,399, A>C on the plus strand (T>G on the coding strand, the complement: WHRN is on the minus strand). VCF-style: chr9-114426399-A-C. GRCh37 (hg19) VCF-style: chr9-117188679-A-C.
Other names: c.-172T>G (NM_001083885.3); c.978T>G, p.Ile326Met (NM_001173425.2); short protein forms I326M.
Identifiers: ClinVar variation 1389176 (VCV001389176.6), dbSNP rs2132408817, ClinGen allele CA374611433.